The following is an entry in ClinVar:

NM_002354.3(EPCAM):c.466C>T (p.Pro156Ser)

Gene: EPCAM (epithelial cell adhesion molecule; plus strand). Cytogenetic location: 2p21.
Variant type: single nucleotide variant.
Coding change: c.466C>T on transcript NM_002354.3 (MANE Select); coding-DNA position 466, C replaced by T.
Protein change: p.Pro156Ser; replaces proline 156 with serine.
Molecular consequence: missense variant.
Genome position (GRCh38, 1-based): chr2:47,375,274, C>T. VCF-style: chr2-47375274-C-T. GRCh37 (hg19) VCF-style: chr2-47602413-C-T.
Other names: p.Pro156Ser; short protein forms P156S.
Identifiers: ClinVar variation 136022 (VCV000136022.5), dbSNP rs587780766, ClinGen allele CA332776.

ClinVar aggregate classification (germline): Uncertain significance. Review status: criteria provided, multiple submitters, no conflicts (2 of 4 stars). 4 submissions from 4 submitters: Uncertain significance (3). 1 of the submissions does not count toward it. Last evaluated 2024-02-19.

Conditions:
Hereditary cancer-predisposing syndrome. Also called: Tumor predisposition; Hereditary neoplastic syndrome; Neoplastic Syndromes, Hereditary; Hereditary Cancer Syndrome. Identifiers: Orphanet 140162, MedGen C0027672, MeSH D009386, MONDO:0015356.
Congenital diarrhea 5 with tufting enteropathy. Also called: Congenital tufting enteropathy; INTESTINAL EPITHELIAL CELL DYSPLASIA. Identifiers: Orphanet 92050, MedGen C2750737, MONDO:0013184, OMIM 613217.
Lynch syndrome 8 (LYNCH8). Also called: Colorectal cancer, hereditary nonpolyposis, type 8. Identifiers: Orphanet 144, MedGen C2750471, MONDO:0013196, OMIM 613244.
Lynch syndrome. Identifiers: Orphanet 144, MedGen C4552100, MONDO:0005835. Disease mechanism: loss of function.

Allele frequency attached by ClinVar (database versions not stated): ExAC 0.00001; gnomAD 0.00001 and 0.00002; gnomAD exomes 0.00002; TOPMed 0.00002.

Submissions (4):

Mayo Clinic Laboratories, Mayo Clinic
Classification: Uncertain significance. Last evaluated: 2024-02-19. Review status: criteria provided, single submitter. Criteria: ACMG Guidelines, 2015. Collection method: clinical testing. Allele origin: germline. Observed: 1 variant allele.

Ambry Genetics
Classification: Uncertain significance for Hereditary cancer-predisposing syndrome. Last evaluated: 2022-09-22. Review status: criteria provided, single submitter. Criteria: Ambry Variant Classification Scheme 2023. Collection method: clinical testing. Allele origin: germline.

Fulgent Genetics
Classification: Uncertain significance for Congenital diarrhea 5 with tufting enteropathy; Lynch syndrome 8. Last evaluated: 2022-05-12. Review status: criteria provided, single submitter. Criteria: ACMG Guidelines, 2015. Collection method: clinical testing. Allele origin: unknown.

Labcorp Genetics (formerly Invitae), Labcorp
Classification: Uncertain significance for Lynch syndrome. Last evaluated: 2014-06-11. Review status: no assertion criteria provided. Collection method: clinical testing. Allele origin: germline. Not counted in ClinVar's aggregate classification.
Comment: The interpretation for this sequence variant was made by Invitae based on the ACMG guidelines.